The following is an entry in ClinVar:

ClinVar aggregate classification (germline): Uncertain significance (1 of 4 stars; one submission).

Conditions:
Epileptic encephalopathy. Identifiers: MedGen C0543888, HP:0200134.

Submission:

Labcorp Genetics (formerly Invitae), Labcorp
Classification: Uncertain significance for Epileptic encephalopathy. Last evaluated: 2024-05-15. Review status: criteria provided, single submitter. Criteria: Invitae Variant Classification Sherloc (09022015). Collection method: clinical testing. Allele origin: germline.
Comment: This sequence change creates a premature translational stop signal (p.Val638Argfs*23) in the FASN gene. It is expected to result in an absent or disrupted protein product. However, the current clinical and genetic evidence is not sufficient to establish whether loss-of-function variants in FASN cause disease. This variant is not present in population databases (gnomAD no frequency). This variant has not been reported in the literature in individuals affected with FASN-related conditions. In summary, the available evidence is currently insufficient to determine the role of this variant in disease. Therefore, it has been classified as a Variant of Uncertain Significance.

NM_004104.5(FASN):c.1907dup (p.Val638fs)

Gene: FASN (fatty acid synthase; minus strand). Cytogenetic location: 17q25.3.
Variant type: Duplication.
Coding change: c.1907dup on transcript NM_004104.5 (MANE Select); coding-DNA position 1907, one base duplicated (C; older notation c.1907dupC).
Protein change: p.Val638fs; shifts the reading frame from valine 638.
Molecular consequence: frameshift variant.
Genome position (GRCh38, 1-based): chr17:82,089,690, G duplicated on the plus strand (C on the coding strand, the reverse complement: FASN is on the minus strand); the first of 6 consecutive G bases (chr17:82,089,690-82,089,695); duplicating any one gives the same sequence. VCF-style (leftmost placement, unchanged base first): chr17-82089689-C-CG. GRCh37 (hg19) VCF-style: chr17-80047565-C-CG.
Other names: short protein forms V638fs.
Identifiers: ClinVar variation 2827719 (VCV002827719.3), dbSNP rs2509841123, ClinGen allele CA628027294.